The following is an entry in ClinVar:

NM_004519.4(KCNQ3):c.1018G>A (p.Gly340Ser)

Gene: KCNQ3 (potassium voltage-gated channel subfamily Q member 3; minus strand). Cytogenetic location: 8q24.22.
Variant type: single nucleotide variant.
Coding change: c.1018G>A on transcript NM_004519.4 (MANE Select); coding-DNA position 1018, G replaced by A.
Protein change: p.Gly340Ser; replaces glycine 340 with serine.
Molecular consequence: missense variant.
Genome position (GRCh38, 1-based): chr8:132,174,265, C>T on the plus strand (G>A on the coding strand, the complement: KCNQ3 is on the minus strand). VCF-style: chr8-132174265-C-T. GRCh37 (hg19) VCF-style: chr8-133186512-C-T.
Other names: c.658G>A, p.Gly220Ser (NM_001204824.2); short protein forms G340S, G220S.
Identifiers: ClinVar variation 2821406 (VCV002821406.3), dbSNP rs2536941388, ClinGen allele CA372290096.

ClinVar aggregate classification (germline): Uncertain significance (1 of 4 stars; one submission).

Conditions:
Benign neonatal seizures. Also called: Convulsions benign familial neonatal dominant form; Autosomal dominant form of benign neonatal seizures; Benign neonatal familial convulsions; Benign familial neonatal epilepsy; Benign familial neonatal seizures. Identifiers: Orphanet 1949, MedGen C0220669, MONDO:0016027.

Submission:

Labcorp Genetics (formerly Invitae), Labcorp
Classification: Uncertain significance for Benign neonatal seizures. Last evaluated: 2024-10-17. Review status: criteria provided, single submitter. Criteria: Invitae Variant Classification Sherloc (09022015). Collection method: clinical testing. Allele origin: germline.
Comment: This sequence change replaces glycine, which is neutral and non-polar, with serine, which is neutral and polar, at codon 340 of the KCNQ3 protein (p.Gly340Ser). This variant is not present in population databases (gnomAD no frequency). This variant has not been reported in the literature in individuals affected with KCNQ3-related conditions. Invitae Evidence Modeling of protein sequence and biophysical properties (such as structural, functional, and spatial information, amino acid conservation, physicochemical variation, residue mobility, and thermodynamic stability) indicates that this missense variant is not expected to disrupt KCNQ3 protein function with a negative predictive value of 80%. In summary, the available evidence is currently insufficient to determine the role of this variant in disease. Therefore, it has been classified as a Variant of Uncertain Significance.